The following is an entry in ClinVar:

NM_006389.5(HYOU1):c.17G>A (p.Arg6Lys)

Gene: HYOU1 (hypoxia up-regulated 1; minus strand). Cytogenetic location: 11q23.3.
Variant type: single nucleotide variant.
Coding change: c.17G>A on transcript NM_006389.5 (MANE Select); coding-DNA position 17, G replaced by A.
Protein change: p.Arg6Lys; replaces arginine 6 with lysine.
Molecular consequence: missense variant.
Genome position (GRCh38, 1-based): chr11:119,056,144, C>T on the plus strand (G>A on the coding strand, the complement: HYOU1 is on the minus strand). VCF-style: chr11-119056144-C-T. GRCh37 (hg19) VCF-style: chr11-118926856-C-T.
Other names: c.17G>A, p.Arg6Lys (NM_001130991.3, NM_001411041.1); short protein forms R6K.
Identifiers: ClinVar variation 2998638 (VCV002998638.3), dbSNP rs147083969, ClinGen allele CA229649807.

ClinVar aggregate classification (germline): Uncertain significance (1 of 4 stars; one submission).

Allele frequency attached by ClinVar (database versions not stated): gnomAD exomes below 0.00001; gnomAD 0.00001; 1000 Genomes Project 30x 0.00016; 1000 Genomes Project 0.00020; ExAC 0.00002.
gnomAD v4.1: 7 of 1,613,906 alleles (0.00043%); highest among the groups gnomAD compares: South Asian, 0.0011%; no homozygotes.

Submission:

Labcorp Genetics (formerly Invitae), Labcorp
Classification: Uncertain significance. Last evaluated: 2025-12-15. Review status: criteria provided, single submitter. Criteria: Invitae Variant Classification Sherloc (09022015). Collection method: clinical testing. Allele origin: germline.
Comment: This sequence change replaces arginine, which is basic and polar, with lysine, which is basic and polar, at codon 6 of the HYOU1 protein (p.Arg6Lys). This variant is present in population databases (rs147083969, gnomAD 0.002%). This variant has not been reported in the literature in individuals affected with HYOU1-related conditions. ClinVar contains an entry for this variant (Variation ID: 2998638). An algorithm developed to predict the effect of missense changes on protein structure and function outputs the following: PolyPhen-2: "Benign". The lysine amino acid residue is found in multiple mammalian species, which suggests that this missense change does not adversely affect protein function. In summary, the available evidence is currently insufficient to determine the role of this variant in disease. Therefore, it has been classified as a Variant of Uncertain Significance.